The following is an entry in ClinVar:

ClinVar aggregate classification (germline): Likely benign. Review status: criteria provided, multiple submitters, no conflicts (2 of 4 stars). 2 submissions from 2 submitters: Likely benign (2). Last evaluated 2025-04-23.

Submissions (2):

Women's Health and Genetics/Laboratory Corporation of America, LabCorp
Classification: Likely benign. Last evaluated: 2025-04-23. Review status: criteria provided, single submitter. Criteria: LabCorp Variant Classification Summary - May 2015. Collection method: clinical testing. Allele origin: germline.
Comment: Variant summary: CYP11B1 c.1399-7G>C alters a non-conserved nucleotide located at a position not widely known to affect splicing. Consensus agreement among computation tools predict no significant impact on normal splicing. However, these predictions have yet to be confirmed by functional studies. The variant was absent in 251100 control chromosomes. The available data on variant occurrences in the general population are insufficient to allow any conclusion about variant significance. To our knowledge, no occurrence of c.1399-7G>C in individuals affected with Congenital Adrenal Hyperplasia and no experimental evidence demonstrating its impact on protein function have been reported. ClinVar contains an entry for this variant (Variation ID: 3638645). Based on the evidence outlined above, the variant was classified as likely benign.

Labcorp Genetics (formerly Invitae), Labcorp
Classification: Likely benign. Last evaluated: 2024-02-03. Review status: criteria provided, single submitter. Criteria: Invitae Variant Classification Sherloc (09022015). Collection method: clinical testing. Allele origin: germline.

NM_000497.4(CYP11B1):c.1399-7G>C

Genes: CYP11B1 (cytochrome P450 family 11 subfamily B member 1; minus strand), LOC106799833 (CYP11B1 recombination region; plus strand). Cytogenetic location: 8q24.3.
Variant type: single nucleotide variant.
Coding change: c.1399-7G>C on transcript NM_000497.4 (MANE Select); 7 bases into the intron before coding-DNA position 1399, G replaced by C.
Molecular consequence: intron variant.
Genome position (GRCh38, 1-based): chr8:142,874,493, C>G on the plus strand (G>C on the coding strand, the complement: CYP11B1 is on the minus strand). VCF-style: chr8-142874493-C-G. GRCh37 (hg19) VCF-style: chr8-143955909-C-G.
Other names: c.1201-7G>C (NM_001026213.1).
Identifiers: ClinVar variation 3638645 (VCV003638645.4).